The following is an entry in ClinVar:

NM_017780.4(CHD7):c.4505C>T (p.Ser1502Leu)

Gene: CHD7 (chromodomain helicase DNA binding protein 7; plus strand). Cytogenetic location: 8q12.2.
Variant type: single nucleotide variant.
Coding change: c.4505C>T on transcript NM_017780.4 (MANE Select); coding-DNA position 4505, C replaced by T.
Protein change: p.Ser1502Leu; replaces serine 1502 with leucine.
Molecular consequence: missense variant. On other transcripts: intron variant (1).
Genome position (GRCh38, 1-based): chr8:60,838,227, C>T. VCF-style: chr8-60838227-C-T. GRCh37 (hg19) VCF-style: chr8-61750786-C-T.
Other names: c.4505C>T (NM_017780.3); c.1717-24002C>T (NM_001316690.1); short protein forms S1502L.
Identifiers: ClinVar variation 1990776 (VCV001990776.5), dbSNP rs1330309910, ClinGen allele CA371318385.
Genomic context (GRCh38, chr8:60,838,227, plus strand): 5'-TCTGTGAAGAAGATATTGATCAGATCCTCCTACGTCGAACCCACACCATTACCATTGAGT[C>T]AGAAGGGAAAGGTTCCACATTTGCTAAGGTGTGAATCGATCTAAAGAGGCCAGGTTTTCC-3'
Protein context (NP_060250.2, residues 1492-1512): LRRTHTITIE[Ser1502Leu]EGKGSTFAKA

ClinVar aggregate classification (germline): Uncertain significance. Review status: criteria provided, multiple submitters, no conflicts (2 of 4 stars). 2 submissions from 2 submitters: Uncertain significance (2). Last evaluated 2023-12-27.

Conditions:
Inborn genetic diseases. Identifiers: MedGen C0950123, MeSH D030342.
CHARGE syndrome (CHARGE). Also called: Hittner Hirsch Kreh syndrome; CHARGE ASSOCIATION--COLOBOMA, HEART ANOMALY, CHOANAL ATRESIA, RETARDATION, GENITAL AND EAR ANOMALIES; Coloboma, heart anomaly, choanal atresia, retardation, genital and ear anomalies; CHARGE association; Hall-Hittner syndrome. Identifiers: Orphanet 138, MedGen C0265354, MONDO:0008965.

Allele frequency attached by ClinVar (database versions not stated): gnomAD exomes below 0.00001; gnomAD 0.00001; TOPMed 0.00001.
gnomAD v4.1: 2 of 1,604,558 alleles (0.00012%); highest among the groups gnomAD compares: Admixed American, 0.0034%; no homozygotes.

Submissions (2):

Ambry Genetics
Classification: Uncertain significance for Inborn genetic diseases. Last evaluated: 2023-12-27. Review status: criteria provided, single submitter. Criteria: Ambry Variant Classification Scheme 2023. Collection method: clinical testing. Allele origin: germline.

Labcorp Genetics (formerly Invitae), Labcorp
Classification: Uncertain significance for CHARGE syndrome. Last evaluated: 2023-12-27. Review status: criteria provided, single submitter. Criteria: Invitae Variant Classification Sherloc (09022015). Collection method: clinical testing. Allele origin: germline.
Comment: This sequence change replaces serine, which is neutral and polar, with leucine, which is neutral and non-polar, at codon 1502 of the CHD7 protein (p.Ser1502Leu). This variant is not present in population databases (gnomAD no frequency). This variant has not been reported in the literature in individuals affected with CHD7-related conditions. ClinVar contains an entry for this variant (Variation ID: 1990776). Advanced modeling of protein sequence and biophysical properties (such as structural, functional, and spatial information, amino acid conservation, physicochemical variation, residue mobility, and thermodynamic stability) performed at Invitae indicates that this missense variant is expected to disrupt CHD7 protein function with a positive predictive value of 95%. In summary, the available evidence is currently insufficient to determine the role of this variant in disease. Therefore, it has been classified as a Variant of Uncertain Significance.